The following is an entry in ClinVar:

ClinVar aggregate classification (germline): Likely pathogenic. Review status: reviewed by expert panel (3 of 4 stars). 6 submissions from 6 submitters: Likely pathogenic (1). 5 of the submissions do not count toward it. Last evaluated 2018-12-09.

Conditions:
PAH-related disorder. Also called: PAH-related condition.
Phenylketonuria (PKU). Also called: Phenylketonuria (PKU); FOLLING DISEASE; OLIGOPHRENIA PHENYLPYRUVICA; Phenylketonurias. Identifiers: Orphanet 716, MedGen C0031485, MONDO:0009861, OMIM 261600. Disease mechanism: loss of function.

Allele frequency attached by ClinVar (database versions not stated): TOPMed below 0.00001.

Submissions (6):

ClinGen PAH Variant Curation Expert Panel
Classification: Likely pathogenic for Phenylketonuria. Last evaluated: 2018-12-09. Review status: reviewed by expert panel. Criteria: ClinGen PAH ACMG Specifications v1. Collection method: curation. Allele origin: germline. Inheritance: Autosomal recessive inheritance.
Comment: The c.824C>G (p.Pro275Arg) variant in PAH is absent from population databases and predicted deleterious by multiple in silico algorithms. It is in the same codon as two previously reported likely pathogenic variants (p.Pro275Ser and p.Pro275Leu). It has been identified in trans with a pathogenic variant (PMID: 23514811), and a defect in BH4 metabolism was excluded as a cause of elevated phenylalanine in that patient. In summary, this variant meets criteria to be classified as likely pathogenic for PAH. PAH-specific ACMG/AMP criteria applied: PP4_Moderate, PM2, PM3, PM5, PP3.

Labcorp Genetics (formerly Invitae), Labcorp
Classification: Pathogenic for Phenylketonuria. Last evaluated: 2025-05-19. Review status: criteria provided, single submitter. Criteria: Invitae Variant Classification Sherloc (09022015). Collection method: clinical testing. Allele origin: germline. Not counted in ClinVar's aggregate classification.
Comment: This sequence change replaces proline, which is neutral and non-polar, with arginine, which is basic and polar, at codon 275 of the PAH protein (p.Pro275Arg). This variant is not present in population databases (gnomAD no frequency). This missense change has been observed in individual(s) with phenylketonuria (PMID: 15464430, 25882749, 27121329). ClinVar contains an entry for this variant (Variation ID: 102854). Invitae Evidence Modeling of protein sequence and biophysical properties (such as structural, functional, and spatial information, amino acid conservation, physicochemical variation, residue mobility, and thermodynamic stability) indicates that this missense variant is expected to disrupt PAH protein function with a positive predictive value of 80%. For these reasons, this variant has been classified as Pathogenic.

Blueprint Genetics
Classification: Pathogenic for PAH-related disorders. Last evaluated: 2023-08-04. Review status: criteria provided, single submitter. Criteria: ACMG Guidelines, 2015. Collection method: clinical testing. Allele origin: germline. Affected: yes. Observed: 2 variant alleles. Not counted in ClinVar's aggregate classification.

Women's Health and Genetics/Laboratory Corporation of America, LabCorp
Classification: Pathogenic for Phenylketonuria. Last evaluated: 2023-07-26. Review status: criteria provided, single submitter. Criteria: LabCorp Variant Classification Summary - May 2015. Collection method: clinical testing. Allele origin: germline. Not counted in ClinVar's aggregate classification.
Comment: Variant summary: PAH c.824C>G (p.Pro275Arg) results in a non-conservative amino acid change located in the Aromatic amino acid hydroxylase, C-terminal domain (IPR019774) of the encoded protein sequence. Five of five in-silico tools predict a damaging effect of the variant on protein function. The variant was absent in 251346 control chromosomes (gnomAD). c.824C>G has been reported in the literature in individuals affected with Phenylalanine Hydroxylase Deficiency (Phenylketonuria) (examples: Aldamiz-Echevarria_2016). These data indicate that the variant is likely to be associated with disease. The following publication has been ascertained in the context of this evaluation (PMID: 27121329). Other variants affecting the same codon have been classified pathogenic in ClinVar (CV IDs: 102855, 102853). Three submitters (including ClinGen PAH Variant Curation Expert Panel) have cited clinical-significance assessments for this variant to ClinVar after 2014. All submitters classified the variant as pathogenic/likely pathogenic. Based on the evidence outlined above, the variant was classified as pathogenic.

Counsyl
Classification: Likely pathogenic for Phenylketonuria. Last evaluated: 2018-01-26. Review status: no assertion criteria provided. Collection method: clinical testing. Allele origin: unknown. Not counted in ClinVar's aggregate classification.

DeBelle Laboratory for Biochemical Genetics, MUHC/MCH RESEARCH INSTITUTE
No classification provided. Review status: no classification provided. Collection method: not provided. Allele origin: not provided. Not counted in ClinVar's aggregate classification.

Literature cited by the submitters: PubMed 23514811 (cited by ClinGen PAH Variant Curation Expert Panel); PubMed 15464430 (cited by Labcorp Genetics (formerly Invitae), Labcorp and Counsyl); PubMed 25882749 (cited by Labcorp Genetics (formerly Invitae), Labcorp); PubMed 27121329 (cited by 3 submitters).

NM_000277.3(PAH):c.824C>G (p.Pro275Arg)

Gene: PAH (phenylalanine hydroxylase; minus strand). Cytogenetic location: 12q23.2.
Variant type: single nucleotide variant.
Coding change: c.824C>G on transcript NM_000277.3 (MANE Select); coding-DNA position 824, C replaced by G.
Protein change: p.Pro275Arg; replaces proline 275 with arginine.
Molecular consequence: missense variant.
Genome position (GRCh38, 1-based): chr12:102,852,833, G>C on the plus strand (C>G on the coding strand, the complement: PAH is on the minus strand). VCF-style: chr12-102852833-G-C. GRCh37 (hg19) VCF-style: chr12-103246611-G-C.
Other names: NM_000277.2(PAH):c.824C>G; c.824C>G, p.Pro275Arg (NM_001354304.2); short protein forms P275R.
Identifiers: ClinVar variation 102854 (VCV000102854.14), dbSNP rs62508715, ClinGen allele CA229791.